The following is an entry in ClinVar:

NM_001904.4(CTNNB1):c.1528del (p.Thr510fs)

Genes: CTNNB1 (catenin beta 1; plus strand), LOC126806659 (BRD4-independent group 4 enhancer GRCh37_chr3:41274918-41276117; plus strand). Cytogenetic location: 3p22.1.
Variant type: Deletion.
Coding change: c.1528del on transcript NM_001904.4 (MANE Select); coding-DNA position 1528, one base deleted (A; older notation c.1528delA).
Protein change: p.Thr510fs; shifts the reading frame from threonine 510.
Molecular consequence: frameshift variant.
Genome position (GRCh38, 1-based): chr3:41,234,142, A deleted. VCF-style (leftmost placement, unchanged base first): chr3-41234141-TA-T. GRCh37 (hg19) VCF-style: chr3-41275632-TA-T.
Other names: c.1528del, p.Thr510fs (NM_001098209.2, NM_001098210.2); c.1507del, p.Thr503fs (NM_001330729.2); short protein forms T503fs, T510fs.
Identifiers: ClinVar variation 1394276 (VCV001394276.6), dbSNP rs2125641801, ClinGen allele CA2573136943.

ClinVar aggregate classification (germline): Pathogenic (1 of 4 stars; one submission).

Submission:

Labcorp Genetics (formerly Invitae), Labcorp
Classification: Pathogenic. Last evaluated: 2021-09-10. Review status: criteria provided, single submitter. Criteria: Invitae Variant Classification Sherloc (09022015). Collection method: clinical testing. Allele origin: germline.
Comment: This variant has not been reported in the literature in individuals affected with CTNNB1-related conditions. This variant is not present in population databases (ExAC no frequency). This sequence change creates a premature translational stop signal (p.Thr510Leufs*4) in the CTNNB1 gene. It is expected to result in an absent or disrupted protein product. Loss-of-function variants in CTNNB1 are known to be pathogenic (PMID: 23033978, 24614104, 25326669, 26350204, 28575650). For these reasons, this variant has been classified as Pathogenic.

Literature cited by the submitters: PubMed 23033978; PubMed 24614104; PubMed 25326669; PubMed 26350204; PubMed 28575650.